The following is an entry in ClinVar:

ClinVar aggregate classification (germline): Uncertain significance (1 of 4 stars; one submission).

Conditions:
Multiple endocrine neoplasia type 4. Also called: MULTIPLE ENDOCRINE NEOPLASIA, TYPE IV. Identifiers: Orphanet 276152, MedGen C1970712, MONDO:0012552, OMIM 610755.

Allele frequency attached by ClinVar (database versions not stated): gnomAD exomes below 0.00001.
gnomAD v4.1: 4 of 1,614,146 alleles (0.00025%); highest among the groups gnomAD compares: Non-Finnish European, 0.00034%; no homozygotes.

Submission:

Labcorp Genetics (formerly Invitae), Labcorp
Classification: Uncertain significance for Multiple endocrine neoplasia type 4. Last evaluated: 2023-09-01. Review status: criteria provided, single submitter. Criteria: Invitae Variant Classification Sherloc (09022015). Collection method: clinical testing. Allele origin: germline.
Comment: In summary, the available evidence is currently insufficient to determine the role of this variant in disease. Therefore, it has been classified as a Variant of Uncertain Significance. An algorithm developed to predict the effect of missense changes on protein structure and function (PolyPhen-2) suggests that this variant is likely to be disruptive. ClinVar contains an entry for this variant (Variation ID: 1446082). This variant has not been reported in the literature in individuals affected with CDKN1B-related conditions. This variant is not present in population databases (gnomAD no frequency). This sequence change replaces leucine, which is neutral and non-polar, with tryptophan, which is neutral and slightly polar, at codon 45 of the CDKN1B protein (p.Leu45Trp).

NM_004064.5(CDKN1B):c.134T>G (p.Leu45Trp)

Gene: CDKN1B (cyclin dependent kinase inhibitor 1B; plus strand). Cytogenetic location: 12p13.1.
Variant type: single nucleotide variant.
Coding change: c.134T>G on transcript NM_004064.5 (MANE Select); coding-DNA position 134, T replaced by G.
Protein change: p.Leu45Trp; replaces leucine 45 with tryptophan.
Molecular consequence: missense variant.
Genome position (GRCh38, 1-based): chr12:12,717,973, T>G. VCF-style: chr12-12717973-T-G. GRCh37 (hg19) VCF-style: chr12-12870907-T-G.
Other names: short protein forms L45W.
Identifiers: ClinVar variation 1446082 (VCV001446082.6), dbSNP rs2136355613, ClinGen allele CA383968882.